The following is an entry in ClinVar:

ClinVar aggregate classification (germline): Likely benign. Review status: criteria provided, multiple submitters, no conflicts (2 of 4 stars). 2 submissions from 2 submitters: Likely benign (2). Last evaluated 2024-11-12.

Conditions:
Papillary renal cell carcinoma type 1 (RCCP1). Also called: Renal adenocarcinoma; Renal cell carcinoma 1; Renal cell carcinoma, somatic; RENAL CELL CARCINOMA, PAPILLARY, 1, SOMATIC. Identifiers: Orphanet 47044, MedGen C1336839, OMIM 605074, HP:0011797.
Renal cell carcinoma. Identifiers: Orphanet 217071, MedGen C0007134, MeSH D002292, MONDO:0005086, HP:0005584.

Submissions (2):

Myriad Genetics, Inc.
Classification: Likely benign for Papillary renal cell carcinoma type 1. Last evaluated: 2024-11-12. Review status: criteria provided, single submitter. Criteria: Myriad Autosomal Dominant, Autosomal Recessive and X-Linked Classification Criteria (2023). Collection method: clinical testing. Allele origin: unknown.
Comment: This variant is considered likely benign. This variant is intronic and is not expected to impact mRNA splicing.

Labcorp Genetics (formerly Invitae), Labcorp
Classification: Likely benign for Renal cell carcinoma. Last evaluated: 2020-05-12. Review status: criteria provided, single submitter. Criteria: Invitae Variant Classification Sherloc (09022015). Collection method: clinical testing. Allele origin: germline.

NM_000245.4(MET):c.3028+10A>C

Gene: MET (MET proto-oncogene, receptor tyrosine kinase; plus strand). Cytogenetic location: 7q31.2.
Variant type: single nucleotide variant.
Coding change: c.3028+10A>C on transcript NM_000245.4 (MANE Select); 10 bases into the intron after coding-DNA position 3028, A replaced by C.
Molecular consequence: intron variant.
Genome position (GRCh38, 1-based): chr7:116,771,999, A>C. VCF-style: chr7-116771999-A-C. GRCh37 (hg19) VCF-style: chr7-116412053-A-C.
Other names: c.3082+10A>C (NM_001127500.3); c.1738+10A>C (NM_001324402.2).
Identifiers: ClinVar variation 1096522 (VCV001096522.10), dbSNP rs763648816, ClinGen allele CA2499218664.